The following is an entry in ClinVar:

ClinVar aggregate classification (germline): Pathogenic (1 of 4 stars; one submission).

Submission:

CeGaT Center for Human Genetics Tuebingen
Classification: Pathogenic. Last evaluated: 2023-10-01. Review status: criteria provided, single submitter. Criteria: CeGaT Center For Human Genetics Tuebingen Variant Classification Criteria Version 2. Collection method: clinical testing. Allele origin: germline. Affected: yes. Observed: 1 variant allele.
Comment: TRIP11: PVS1, PM2

NM_004239.4(TRIP11):c.1942_1943del (p.Glu648fs)

Gene: TRIP11 (thyroid hormone receptor interactor 11; minus strand). Cytogenetic location: 14q32.12.
Variant type: Microsatellite.
Coding change: c.1942_1943del on transcript NM_004239.4 (MANE Select); coding-DNA positions 1942 to 1943, 2 bases deleted (GA; older notation c.1942_1943delGA).
Protein change: p.Glu648fs; shifts the reading frame from glutamic acid 648.
Molecular consequence: frameshift variant.
Genome position (GRCh38, 1-based): chr14:92,006,033-92,006,034, TC deleted on the plus strand (GA on the coding strand, the reverse complement: TRIP11 is on the minus strand); deleting any 2 consecutive bases within chr14:92,006,033-92,006,037 gives the same sequence; the c. name uses the placement nearest the transcript's 3' end. VCF-style (leftmost placement, unchanged base first): chr14-92006032-TTC-T. GRCh37 (hg19) VCF-style: chr14-92472376-TTC-T.
Other names: c.1939_1940del, p.Glu647fs (NM_001321851.1); short protein forms E647fs, E648fs.
Identifiers: ClinVar variation 2644465 (VCV002644465.24), dbSNP rs768748981, ClinGen allele CA7313854.